The following is an entry in ClinVar:

NM_000199.5(SGSH):c.1153C>T (p.Arg385Cys)

Gene: SGSH (N-sulfoglucosamine sulfohydrolase; minus strand). Cytogenetic location: 17q25.3.
Variant type: single nucleotide variant.
Coding change: c.1153C>T on transcript NM_000199.5 (MANE Select); coding-DNA position 1153, C replaced by T.
Protein change: p.Arg385Cys; replaces arginine 385 with cysteine.
Molecular consequence: missense variant. On other transcripts: 3 prime UTR variant (2), non-coding transcript variant (1).
Genome position (GRCh38, 1-based): chr17:80,210,808, G>A on the plus strand (C>T on the coding strand, the complement: SGSH is on the minus strand). VCF-style: chr17-80210808-G-A. GRCh37 (hg19) VCF-style: chr17-78184607-G-A.
Other names: c.1153C>T (NM_000199.3); c.*240C>T (NM_001352921.3); c.*203C>T (NM_001352922.2); short protein forms R385C.
Identifiers: ClinVar variation 2142664 (VCV002142664.2), dbSNP rs374599600, ClinGen allele CA8817658.
Genomic context (GRCh38, chr17:80,210,808, plus strand): 5'-AGACGTAGAAGTCCTGGTCGATGGGAAAGGGCATCTTGAAGTTGAGGTTGTGCACGAGGC[G>A]GAAGTGCCGGTGCTGCACGGAGCGCATGGGGTAGGACATGGTGACCTCGTGGTGGCTCTG-3'
Protein context (NP_000190.1, residues 375-395): PMRSVQHRHF[Arg385Cys]LVHNLNFKMP

ClinVar aggregate classification (germline): Uncertain significance. Review status: criteria provided, multiple submitters, no conflicts (2 of 4 stars). 2 submissions from 2 submitters: Uncertain significance (2). Last evaluated 2025-09-10.

Conditions:
Inborn genetic diseases. Identifiers: MedGen C0950123, MeSH D030342.
Mucopolysaccharidosis, MPS-III-A (MPS3A). Also called: HEPARAN SULFATE SULFATASE DEFICIENCY; SANFILIPPO SYNDROME A; SULFAMIDASE DEFICIENCY; MPS III A; Mucopolysaccharidosis, type IIIA; MUCOPOLYSACCHARIDOSIS, TYPE IIIA, ATTENUATED. Identifiers: Orphanet 581, Orphanet 79269, MedGen C0086647, MONDO:0009655, OMIM 252900.

gnomAD v4.1: 17 of 1,613,944 alleles (0.0011%); highest among the groups gnomAD compares: Admixed American, 0.0067%; no homozygotes.

Submissions (2):

Ambry Genetics
Classification: Uncertain significance for Inborn genetic diseases. Last evaluated: 2025-09-10. Review status: criteria provided, single submitter. Criteria: Ambry Variant Classification Scheme 2023. Collection method: clinical testing. Allele origin: germline.

Labcorp Genetics (formerly Invitae), Labcorp
Classification: Uncertain significance for Mucopolysaccharidosis, MPS-III-A. Last evaluated: 2022-08-22. Review status: criteria provided, single submitter. Criteria: Invitae Variant Classification Sherloc (09022015). Collection method: clinical testing. Allele origin: germline.
Comment: This sequence change replaces arginine, which is basic and polar, with cysteine, which is neutral and slightly polar, at codon 385 of the SGSH protein (p.Arg385Cys). This variant is present in population databases (rs374599600, gnomAD 0.003%). This variant has not been reported in the literature in individuals affected with SGSH-related conditions. Advanced modeling of protein sequence and biophysical properties (such as structural, functional, and spatial information, amino acid conservation, physicochemical variation, residue mobility, and thermodynamic stability) performed at Invitae indicates that this missense variant is expected to disrupt SGSH protein function. In summary, the available evidence is currently insufficient to determine the role of this variant in disease. Therefore, it has been classified as a Variant of Uncertain Significance.